The following is an entry in ClinVar:

ClinVar aggregate classification (germline): Uncertain significance (1 of 4 stars; one submission).

Submission:

Labcorp Genetics (formerly Invitae), Labcorp
Classification: Uncertain significance. Last evaluated: 2023-01-31. Review status: criteria provided, single submitter. Criteria: Invitae Variant Classification Sherloc (09022015). Collection method: clinical testing. Allele origin: germline.
Comment: In summary, the available evidence is currently insufficient to determine the role of this variant in disease. Therefore, it has been classified as a Variant of Uncertain Significance. Advanced modeling of protein sequence and biophysical properties (such as structural, functional, and spatial information, amino acid conservation, physicochemical variation, residue mobility, and thermodynamic stability) performed at Invitae indicates that this missense variant is expected to disrupt XYLT2 protein function. This variant has not been reported in the literature in individuals affected with XYLT2-related conditions. This variant is not present in population databases (gnomAD no frequency). This sequence change replaces aspartic acid, which is acidic and polar, with histidine, which is basic and polar, at codon 417 of the XYLT2 protein (p.Asp417His).

NM_022167.4(XYLT2):c.1249G>C (p.Asp417His)

Gene: XYLT2 (xylosyltransferase 2; plus strand). Cytogenetic location: 17q21.33.
Variant type: single nucleotide variant.
Coding change: c.1249G>C on transcript NM_022167.4 (MANE Select); coding-DNA position 1249, G replaced by C.
Protein change: p.Asp417His; replaces aspartic acid 417 with histidine.
Molecular consequence: missense variant.
Genome position (GRCh38, 1-based): chr17:50,355,941, G>C. VCF-style: chr17-50355941-G-C. GRCh37 (hg19) VCF-style: chr17-48433302-G-C.
Other names: short protein forms D417H.
Identifiers: ClinVar variation 2820465 (VCV002820465.3), dbSNP rs2543951852, ClinGen allele CA400205333.